The following is an entry in ClinVar:

ClinVar aggregate classification (germline): Pathogenic (1 of 4 stars; one submission).

Conditions:
Polycystic kidney disease, adult type (PKD1). Also called: POLYCYSTIC KIDNEY DISEASE, ADULT, TYPE I; Polycystic Kidney Disease 1, Autosomal Dominant; Polycystic kidney disease 1; Polycystic kidney disease 1, severe; Polycystic Kidney, Autosomal Dominant; POLYCYSTIC KIDNEY DISEASE 1 WITH OR WITHOUT POLYCYSTIC LIVER DISEASE. Identifiers: MedGen C3149841, MONDO:0008263, OMIM 173900.

Submission:

Juno Genomics, Hangzhou Juno Genomics, Inc
Classification: Pathogenic for Polycystic kidney disease, adult type. Review status: criteria provided, single submitter. Criteria: ACMG Guidelines, 2015. Collection method: clinical testing. Allele origin: germline. Affected: yes.
Comment: Null variant in a gene where loss of function (LOF) is a known mechanism of disease.;Absent from controls (or at extremely low frequency if recessive) in Genome Aggregation Database, Exome Sequencing Project, 1000 Genomes Project, or Exome Aggregation Consortium.;Patient's phenotype or family history is highly specific for a disease with a single genetic etiology.

NM_001009944.3(PKD1):c.1907_1916dup (p.Cys640fs)

Gene: PKD1 (polycystin 1, transient receptor potential channel interacting; minus strand). Cytogenetic location: 16p13.3.
Variant type: Duplication.
Coding change: c.1907_1916dup on transcript NM_001009944.3 (MANE Select); coding-DNA positions 1907 to 1916, 10 bases duplicated (TGGCCCCCGC; older notation c.1907_1916dupTGGCCCCCGC).
Protein change: p.Cys640fs; shifts the reading frame from cysteine 640.
Molecular consequence: frameshift variant.
Genome position (GRCh38, 1-based): chr16:2,115,559-2,115,568, GCGGGGGCCA duplicated on the plus strand (TGGCCCCCGC on the coding strand, the reverse complement: PKD1 is on the minus strand); duplicating any 10 consecutive bases within chr16:2,115,559-2,115,570 gives the same sequence; the c. name uses the placement nearest the transcript's 3' end. VCF-style (leftmost placement, unchanged base first): chr16-2115558-C-CGCGGGGGCCA. GRCh37 (hg19) VCF-style: chr16-2165559-C-CGCGGGGGCCA.
Other names: c.1907_1916dup, p.Cys640fs (NM_000296.4); short protein forms C640fs.
Identifiers: ClinVar variation 3382866 (VCV003382866.2).